The following is an entry in ClinVar:

NM_017433.5(MYO3A):c.1464A>G (p.Gly488=)

Gene: MYO3A (myosin IIIA; plus strand). Cytogenetic location: 10p12.1.
Variant type: single nucleotide variant.
Coding change: c.1464A>G on transcript NM_017433.5 (MANE Select); coding-DNA position 1464, A replaced by G.
Protein change: p.Gly488=; no amino-acid change (glycine 488 retained).
Molecular consequence: synonymous variant.
Genome position (GRCh38, 1-based): chr10:26,088,307, A>G. VCF-style: chr10-26088307-A-G. GRCh37 (hg19) VCF-style: chr10-26377236-A-G.
Identifiers: ClinVar variation 3257257 (VCV003257257.17).

ClinVar aggregate classification (germline): Likely benign (1 of 4 stars; one submission).

gnomAD v4.1: 6 of 1,613,864 alleles (0.00037%); highest among the groups gnomAD compares: African/African-American, 0.0067%; no homozygotes.

Submission:

CeGaT Center for Human Genetics Tuebingen
Classification: Likely benign. Last evaluated: 2024-07-01. Review status: criteria provided, single submitter. Criteria: CeGaT Center For Human Genetics Tuebingen Variant Classification Criteria Version 2. Collection method: clinical testing. Allele origin: germline. Affected: yes. Observed: 1 variant allele.
Comment: MYO3A: PM2:Supporting, BP4, BP7